The following is an entry in ClinVar:

ClinVar aggregate classification (germline): Uncertain significance (1 of 4 stars; one submission).

Conditions:
Cardiomyopathy (CMYO). Also called: Cardiomyopathies. Identifiers: Orphanet 167848, MedGen C0878544, MONDO:0004994, HP:0001638. Inheritance: Various modes of inheritance.

Submission:

Color Diagnostics, LLC DBA Color Health
Classification: Uncertain significance for Cardiomyopathy. Last evaluated: 2019-03-07. Review status: criteria provided, single submitter. Criteria: ACMG Guidelines, 2015. Collection method: clinical testing. Allele origin: germline.
Comment: Variant of Uncertain Significance due to insufficient evidence: This missense variant replaces cysteine with tyrosine at codon 1282 of the RYR2 protein. Computational prediction tools and conservation analyses suggest that this variant may have deleterious impact on the protein function. Computational splicing tools suggest that this variant may not impact RNA splicing. To our knowledge, functional assays have not been performed for this variant nor has this variant been reported in individuals affected with cardiovascular disorders in the literature. This variant is rare in the general population and has been identified in 0/277264 chromosomes by the Genome Aggregation Database (gnomAD). Available evidence is insufficient to determine the role of this variant in disease conclusively.

NM_001035.3(RYR2):c.3845G>A (p.Cys1282Tyr)

Genes: RYR2 (ryanodine receptor 2; plus strand), LOC126806067 (BRD4-independent group 4 enhancer GRCh37_chr1:237753258-237754457; plus strand). Cytogenetic location: 1q43.
Variant type: single nucleotide variant.
Coding change: c.3845G>A on transcript NM_001035.3 (MANE Select); coding-DNA position 3845, G replaced by A.
Protein change: p.Cys1282Tyr; replaces cysteine 1282 with tyrosine.
Molecular consequence: missense variant.
Genome position (GRCh38, 1-based): chr1:237,590,677, G>A. VCF-style: chr1-237590677-G-A. GRCh37 (hg19) VCF-style: chr1-237753977-G-A.
Other names: c.3845G>A, p.Cys1282Tyr (LRG_402t1); short protein forms C1282Y.
Identifiers: ClinVar variation 630105 (VCV000630105.4), dbSNP rs1559075923, ClinGen allele CA072210.